The following is an entry in ClinVar:

NM_005055.5(RAPSN):c.1036C>T (p.Arg346Trp)

Gene: RAPSN (receptor associated protein of the synapse; minus strand). Cytogenetic location: 11p11.2.
Variant type: single nucleotide variant.
Coding change: c.1036C>T on transcript NM_005055.5 (MANE Select); coding-DNA position 1036, C replaced by T.
Protein change: p.Arg346Trp; replaces arginine 346 with tryptophan.
Molecular consequence: missense variant.
Genome position (GRCh38, 1-based): chr11:47,438,862, G>A on the plus strand (C>T on the coding strand, the complement: RAPSN is on the minus strand). VCF-style: chr11-47438862-G-A. GRCh37 (hg19) VCF-style: chr11-47460413-G-A.
Other names: p.Arg346Trp; c.859C>T, p.Arg287Trp (NM_032645.5); short protein forms R346W, R287W.
Identifiers: ClinVar variation 542734 (VCV000542734.9), dbSNP rs529117281, ClinGen allele CA5976522.
Genomic context (GRCh38, chr11:47,438,862, plus strand): 5'-ACAGGCCGCAGTAGAGCTCCGTCTCCTCCACGCACTCGTGGAACCTCACAACGTGCGCCC[G>A]CAGTTCCCGCTGCAGCCCTTTGCTGCGGTAAATGCTCTCGCTCAGACAGTGCAGCTTGAG-3'
Protein context (NP_005046.2, residues 336-356): YRSKGLQREL[Arg346Trp]AHVVRFHECV

ClinVar aggregate classification (germline): Uncertain significance. Review status: criteria provided, multiple submitters, no conflicts (2 of 4 stars). 4 submissions from 4 submitters: Uncertain significance (3). 1 of the submissions does not count toward it. Last evaluated 2025-12-15.

Conditions:
Fetal akinesia deformation sequence 1 (FADS1). Also called: Pena-Shokeir syndrome type I; Fetal akinesia sequence. Identifiers: Orphanet 994, MedGen C1276035, MONDO:0100101, OMIM 208150, HP:0001989.
Congenital myasthenic syndrome 11. Also called: MYASTHENIC SYNDROME, CONGENITAL, Ie; Myasthenic syndrome, congenital, 11, associated with acetylcholine receptor deficiency. Identifiers: Orphanet 590, MedGen C4225367, MONDO:0014588, OMIM 616326.
Congenital myasthenic syndrome (CMS). Also called: Congenital Myasthenic Syndromes. Identifiers: Orphanet 590, MedGen C0751882, MeSH D020294, MONDO:0018940.

Allele frequency attached by ClinVar (database versions not stated): gnomAD 0.00001 and 0.00002; TOPMed 0.00001; gnomAD exomes 0.00014; 1000 Genomes Project 0.00020; ExAC 0.00049.

Submissions (4):

Labcorp Genetics (formerly Invitae), Labcorp
Classification: Uncertain significance for Congenital myasthenic syndrome 11; Fetal akinesia deformation sequence 1. Last evaluated: 2025-12-15. Review status: criteria provided, single submitter. Criteria: Invitae Variant Classification Sherloc (09022015). Collection method: clinical testing. Allele origin: germline.
Comment: This sequence change replaces arginine, which is basic and polar, with tryptophan, which is neutral and slightly polar, at codon 346 of the RAPSN protein (p.Arg346Trp). This variant is present in population databases (rs529117281, gnomAD 0.1%). This variant has not been reported in the literature in individuals affected with RAPSN-related conditions. ClinVar contains an entry for this variant (Variation ID: 542734). Invitae Evidence Modeling of protein sequence and biophysical properties (such as structural, functional, and spatial information, amino acid conservation, physicochemical variation, residue mobility, and thermodynamic stability) indicates that this missense variant is expected to disrupt RAPSN protein function with a positive predictive value of 95%. In summary, the available evidence is currently insufficient to determine the role of this variant in disease. Therefore, it has been classified as a Variant of Uncertain Significance.

Mayo Clinic Laboratories, Mayo Clinic
Classification: Uncertain significance. Last evaluated: 2023-11-14. Review status: criteria provided, single submitter. Criteria: ACMG Guidelines, 2015. Collection method: clinical testing. Allele origin: germline. Observed: 1 variant allele.

Revvity Omics, Revvity
Classification: Uncertain significance. Last evaluated: 2022-04-13. Review status: criteria provided, single submitter. Criteria: ACMG Guidelines, 2015. Collection method: clinical testing. Allele origin: germline.

Natera, Inc.
Classification: Uncertain significance for Congenital myasthenic syndrome. Last evaluated: 2020-04-13. Review status: no assertion criteria provided. Collection method: clinical testing. Allele origin: germline. Not counted in ClinVar's aggregate classification.